The following is an entry in ClinVar:

NM_001458.5(FLNC):c.4380G>T (p.Arg1460=)

Gene: FLNC (filamin C; plus strand). Cytogenetic location: 7q32.1.
Variant type: single nucleotide variant.
Coding change: c.4380G>T on transcript NM_001458.5 (MANE Select); coding-DNA position 4380, G replaced by T.
Protein change: p.Arg1460=; no amino-acid change (arginine 1460 retained).
Molecular consequence: synonymous variant.
Genome position (GRCh38, 1-based): chr7:128,847,788, G>T. VCF-style: chr7-128847788-G-T. GRCh37 (hg19) VCF-style: chr7-128487842-G-T.
Other names: c.4380G>T (NM_001458.4); c.4380G>T, p.Arg1460= (NM_001127487.2).
Identifiers: ClinVar variation 1141653 (VCV001141653.12), dbSNP rs1005510680, ClinGen allele CA166183013.

ClinVar aggregate classification (germline): Likely benign. Review status: criteria provided, multiple submitters, no conflicts (2 of 4 stars). 4 submissions from 4 submitters: Likely benign (4). Last evaluated 2026-01-27.

Conditions:
FLNC-related disorder. Also called: FLNC-related disorders; FLNC-related condition.
Distal myopathy with posterior leg and anterior hand involvement. Also called: WILLIAMS DISTAL MYOPATHY. Identifiers: Orphanet 63273, MedGen C3279722, MONDO:0013550, OMIM 614065.
Hypertrophic cardiomyopathy 26. Also called: Cardiomyopathy, familial hypertrophic, 26. Identifiers: Orphanet 75249, MedGen C4310749, MONDO:0014883, OMIM 617047.
Myofibrillar myopathy 5. Also called: Filaminopathy (type); FILAMINOPATHY, AUTOSOMAL DOMINANT. Identifiers: Orphanet 171445, MedGen C1836050, MONDO:0012289, OMIM 609524.
Cardiovascular phenotype. Identifiers: MedGen CN230736.

Allele frequency attached by ClinVar (database versions not stated): gnomAD 0.00001; TOPMed 0.00001.
gnomAD v4.1: 18 of 1,613,654 alleles (0.0011%); highest among the groups gnomAD compares: Non-Finnish European, 0.0014%; no homozygotes.

Submissions (4):

Labcorp Genetics (formerly Invitae), Labcorp
Classification: Likely benign for Distal myopathy with posterior leg and anterior hand involvement; Myofibrillar myopathy 5; Hypertrophic cardiomyopathy 26. Last evaluated: 2026-01-27. Review status: criteria provided, single submitter. Criteria: Invitae Variant Classification Sherloc (09022015). Collection method: clinical testing. Allele origin: germline.

PreventionGenetics, part of Exact Sciences
Classification: Likely benign for FLNC-related condition. Last evaluated: 2025-07-08. Review status: criteria provided, single submitter. Criteria: ACMG Guidelines, 2015. Collection method: clinical testing. Allele origin: germline.
Comment: This variant is classified as likely benign based on ACMG/AMP sequence variant interpretation guidelines (Richards et al. 2015 PMID: 25741868, with internal and published modifications).

Blueprint Genetics
Classification: Likely benign. Last evaluated: 2024-11-19. Review status: criteria provided, single submitter. Criteria: ACMG Guidelines, 2015. Collection method: clinical testing. Allele origin: germline.

Ambry Genetics
Classification: Likely benign for Cardiovascular phenotype. Last evaluated: 2023-02-26. Review status: criteria provided, single submitter. Criteria: Ambry Variant Classification Scheme 2023. Collection method: clinical testing. Allele origin: germline.